The following is an entry in ClinVar:

ClinVar aggregate classification (germline): Likely pathogenic (0 of 4 stars; one submission).

Conditions:
Lynch syndrome. Identifiers: Orphanet 144, MedGen C4552100, MONDO:0005835. Disease mechanism: loss of function.

Submission:

Department of Pathology and Laboratory Medicine, Sinai Health System
Classification: Likely pathogenic for Lynch syndrome. Review status: no assertion criteria provided. Collection method: clinical testing. Allele origin: unknown. Affected: yes. Study: The Canadian Open Genetics Repository (COGR).
Comment: The PMS2 p.Gln288Thrfs*11 variant was not identified in the literature nor was it identified in the dbSNP, ClinVar, Exome Aggregation Consortium (August 8th 2016) and Genome Aggregation Database (Feb 27, 2017). The c.860dupG variant is predicted to cause a frameshift, which alters the protein's amino acid sequence beginning at codon 288 and leads to a premature stop codon at position 298. This alteration is then predicted to result in a truncated or absent protein and loss of function. Loss of function variants of the PMS2 gene are an established mechanism of disease in Lynch Syndrome and is the type of variant expected to cause the disorder. In summary, based on the above information the clinical significance of this variant cannot be determined with certainty at this time although we would lean towards a more pathogenic role for this variant. This variant is classified as likely pathogenic.

NM_000535.7(PMS2):c.860dup (p.Gln288fs)

Gene: PMS2 (PMS1 homolog 2, mismatch repair system component; minus strand). Cytogenetic location: 7p22.1.
Variant type: Duplication.
Coding change: c.860dup on transcript NM_000535.7 (MANE Select); coding-DNA position 860, one base duplicated (G; older notation c.860dupG).
Protein change: p.Gln288fs; shifts the reading frame from glutamine 288.
Molecular consequence: frameshift variant. On other transcripts: 5 prime UTR variant (2), non-coding transcript variant (1).
Genome position (GRCh38, 1-based): chr7:5,995,577, C duplicated on the plus strand (G on the coding strand, the reverse complement: PMS2 is on the minus strand). VCF-style (leftmost placement, unchanged base first): chr7-5995576-T-TC. GRCh37 (hg19) VCF-style: chr7-6035207-T-TC.
Other names: c.455dup, p.Gln153fs (NM_001322003.2, NM_001322004.2, NM_001322005.2 and 2 more transcripts); c.860dup, p.Gln288fs (NM_001322006.2, NM_001322014.2); c.542dup, p.Gln182fs (NM_001322007.2, NM_001322008.2); c.-74dup (NM_001322011.2, NM_001322012.2); c.287dup, p.Gln97fs (NM_001322013.2); c.551dup, p.Gln185fs (NM_001322015.2); short protein forms Q153fs, Q182fs, Q185fs, Q288fs, Q97fs.
Identifiers: ClinVar variation 1050211 (VCV001050211.1), dbSNP rs2128775362, ClinGen allele CA2499218974.
Genomic context (GRCh38, chr7:5,995,576, plus strand): 5'-CAAAAAAATTTTAAATACCTTTGCTGGGTCACAAGGCCGCCGGTTGATAAAGAAAAACTG[T>TC]CTGTCTGTTGAACTCCTTCCAACTCCATGCGTGCATTGTGAAATGAAACCTGAGATGCTA-3'